The following is an entry in ClinVar:

ClinVar aggregate classification (germline): Uncertain significance (1 of 4 stars; one submission).

Conditions:
Cortical dysplasia-focal epilepsy syndrome (PTHSL1). Also called: Pitt-Hopkins-like syndrome 1. Identifiers: Orphanet 163681, Orphanet 221150, MedGen C2750246, MONDO:0012400, OMIM 610042.

Submission:

Labcorp Genetics (formerly Invitae), Labcorp
Classification: Uncertain significance for Cortical dysplasia-focal epilepsy syndrome. Last evaluated: 2022-07-21. Review status: criteria provided, single submitter. Criteria: Invitae Variant Classification Sherloc (09022015). Collection method: clinical testing. Allele origin: germline.
Comment: This sequence change replaces threonine, which is neutral and polar, with asparagine, which is neutral and polar, at codon 348 of the CNTNAP2 protein (p.Thr348Asn). This variant is not present in population databases (gnomAD no frequency). This variant has not been reported in the literature in individuals affected with CNTNAP2-related conditions. In summary, the available evidence is currently insufficient to determine the role of this variant in disease. Therefore, it has been classified as a Variant of Uncertain Significance. Algorithms developed to predict the effect of missense changes on protein structure and function are either unavailable or do not agree on the potential impact of this missense change (SIFT: "Deleterious"; PolyPhen-2: "Possibly Damaging"; Align-GVGD: "Class C0").

NM_014141.6(CNTNAP2):c.1043C>A (p.Thr348Asn)

Gene: CNTNAP2 (contactin associated protein 2; plus strand). Cytogenetic location: 7q35.
Variant type: single nucleotide variant.
Coding change: c.1043C>A on transcript NM_014141.6 (MANE Select); coding-DNA position 1043, C replaced by A.
Protein change: p.Thr348Asn; replaces threonine 348 with asparagine.
Molecular consequence: missense variant.
Genome position (GRCh38, 1-based): chr7:147,128,796, C>A. VCF-style: chr7-147128796-C-A. GRCh37 (hg19) VCF-style: chr7-146825888-C-A.
Other names: short protein forms T348N.
Identifiers: ClinVar variation 1722253 (VCV001722253.6), dbSNP rs2485916642, ClinGen allele CA369924351.